The following is an entry in ClinVar:

ClinVar aggregate classification (germline): Uncertain significance. Review status: criteria provided, multiple submitters, no conflicts (2 of 4 stars). 2 submissions from 2 submitters: Uncertain significance (2). Last evaluated 2026-01-11.

Conditions:
Hereditary cancer-predisposing syndrome. Also called: Hereditary Cancer Syndrome; Tumor predisposition; Neoplastic Syndromes, Hereditary; Hereditary neoplastic syndrome. Identifiers: Orphanet 140162, MedGen C0027672, MeSH D009386, MONDO:0015356.

Allele frequency attached by ClinVar (database versions not stated): TOPMed below 0.00001.

Submissions (2):

Ambry Genetics
Classification: Uncertain significance for Hereditary cancer-predisposing syndrome. Last evaluated: 2026-01-11. Review status: criteria provided, single submitter. Criteria: Ambry Variant Classification Scheme 2023. Collection method: clinical testing. Allele origin: germline.
Comment: The p.Q2068P variant (also known as c.6203A>C), located in coding exon 45 of the POLE gene, results from an A to C substitution at nucleotide position 6203. The glutamine at codon 2068 is replaced by proline, an amino acid with similar properties. This amino acid position is conserved. In addition, the in silico prediction for this alteration is inconclusive. Based on the available evidence, the clinical significance of this variant remains unclear.

Labcorp Genetics (formerly Invitae), Labcorp
Classification: Uncertain significance. Last evaluated: 2026-01-05. Review status: criteria provided, single submitter. Criteria: Invitae Variant Classification Sherloc (09022015). Collection method: clinical testing. Allele origin: germline.
Comment: This sequence change replaces glutamine, which is neutral and polar, with proline, which is neutral and non-polar, at codon 2068 of the POLE protein (p.Gln2068Pro). This variant is not present in population databases (gnomAD no frequency). This variant has not been reported in the literature in individuals affected with POLE-related conditions. ClinVar contains an entry for this variant (Variation ID: 864650). Invitae Evidence Modeling of protein sequence and biophysical properties (such as structural, functional, and spatial information, amino acid conservation, physicochemical variation, residue mobility, and thermodynamic stability) indicates that this missense variant is not expected to disrupt POLE protein function with a negative predictive value of 80%. In summary, the available evidence is currently insufficient to determine the role of this variant in disease. Therefore, it has been classified as a Variant of Uncertain Significance.

NM_006231.4(POLE):c.6203A>C (p.Gln2068Pro)

Gene: POLE (DNA polymerase epsilon, catalytic subunit; minus strand). Cytogenetic location: 12q24.33.
Variant type: single nucleotide variant.
Coding change: c.6203A>C on transcript NM_006231.4 (MANE Select); coding-DNA position 6203, A replaced by C.
Protein change: p.Gln2068Pro; replaces glutamine 2068 with proline.
Molecular consequence: missense variant.
Genome position (GRCh38, 1-based): chr12:132,632,442, T>G on the plus strand (A>C on the coding strand, the complement: POLE is on the minus strand). VCF-style: chr12-132632442-T-G. GRCh37 (hg19) VCF-style: chr12-133209028-T-G.
Other names: c.6203A>C (NM_006231.2); short protein forms Q2068P.
Identifiers: ClinVar variation 864650 (VCV000864650.10), dbSNP rs1167275750, ClinGen allele CA387369744.